The following is an entry in ClinVar:

NM_001077365.2(POMT1):c.1672G>T (p.Ala558Ser)

Gene: POMT1 (protein O-mannosyltransferase 1; plus strand). Cytogenetic location: 9q34.13.
Variant type: single nucleotide variant.
Coding change: c.1672G>T on transcript NM_001077365.2 (MANE Select); coding-DNA position 1672, G replaced by T.
Protein change: p.Ala558Ser; replaces alanine 558 with serine.
Molecular consequence: missense variant. On other transcripts: non-coding transcript variant (10).
Genome position (GRCh38, 1-based): chr9:131,520,167, G>T. VCF-style: chr9-131520167-G-T. GRCh37 (hg19) VCF-style: chr9-134395554-G-T.
Other names: c.1510G>T, p.Ala504Ser (NM_001077366.2, NM_001353194.2); c.1672G>T, p.Ala558Ser (NM_001136113.2); c.1321G>T, p.Ala441Ser (NM_001136114.2, NM_001353195.2, NM_001374691.1 and 2 more transcripts); c.1738G>T, p.Ala580Ser (NM_001353193.2, NM_007171.4); c.1582G>T, p.Ala528Ser (NM_001353196.2); c.1576G>T, p.Ala526Ser (NM_001353197.2, NM_001353198.2); c.1387G>T, p.Ala463Ser (NM_001353199.2); c.1216G>T, p.Ala406Ser (NM_001353200.2); and 4 more; short protein forms A441S, A406S, A554S, A558S, A181S, A485S, A504S, A580S.
Identifiers: ClinVar variation 1930666 (VCV001930666.5), dbSNP rs2539419043, ClinGen allele CA375313200.
Genomic context (GRCh38, chr9:131,520,167, plus strand): 5'-GACTCGGAACACAAGTACAGCTCCAGCCCACTGGAGTGGGTCACCCTGGACACCAATATT[G>T]CCTACTGGCTGCACCCCAGGACCAGCGTAAGCGAGCGATGCTGACAGCTGACAGTCATAG-3'
Protein context (NP_001070833.1, residues 548-568): LEWVTLDTNI[Ala558Ser]YWLHPRTSAQ

ClinVar aggregate classification (germline): Uncertain significance. Review status: criteria provided, multiple submitters, no conflicts (2 of 4 stars). 2 submissions from 2 submitters: Uncertain significance (2). Last evaluated 2022-06-06.

Conditions:
Walker-Warburg congenital muscular dystrophy. Also called: Muscular dystrophy-dystroglycanopathy, type A; Walker-Warburg syndrome. Identifiers: Orphanet 899, MedGen C0265221, MONDO:0000171.
Muscular dystrophy-dystroglycanopathy (congenital with impaired intellectual development), type B, 1. Also called: MUSCULAR DYSTROPHY, CONGENITAL, POMT1-RELATED; Muscular dystrophy-dystroglycanopathy (congenital with intellectual disability), type B1. Identifiers: MedGen C5436962, MONDO:0013159, OMIM 613155.
Autosomal recessive limb-girdle muscular dystrophy type 2K. Also called: MUSCULAR DYSTROPHY-DYSTROGLYCANOPATHY (LIMB-GIRDLE), TYPE C, 1; MUSCULAR DYSTROPHY, LIMB-GIRDLE, TYPE 2K. Identifiers: Orphanet 86812, MedGen C1836373, MONDO:0012248, OMIM 609308.

Submissions (2):

Labcorp Genetics (formerly Invitae), Labcorp
Classification: Uncertain significance for Muscular dystrophy-dystroglycanopathy (congenital with impaired intellectual development), type B, 1; Walker-Warburg congenital muscular dystrophy; Autosomal recessive limb-girdle muscular dystrophy type 2K. Last evaluated: 2022-06-06. Review status: criteria provided, single submitter. Criteria: Invitae Variant Classification Sherloc (09022015). Collection method: clinical testing. Allele origin: germline.
Comment: This variant has not been reported in the literature in individuals affected with POMT1-related conditions. In summary, the available evidence is currently insufficient to determine the role of this variant in disease. Therefore, it has been classified as a Variant of Uncertain Significance. Algorithms developed to predict the effect of missense changes on protein structure and function are either unavailable or do not agree on the potential impact of this missense change (SIFT: "Tolerated"; PolyPhen-2: "Possibly Damaging"; Align-GVGD: "Class C0"). This variant is not present in population databases (gnomAD no frequency). This sequence change replaces alanine, which is neutral and non-polar, with serine, which is neutral and polar, at codon 580 of the POMT1 protein (p.Ala580Ser).

Blueprint Genetics
Classification: Uncertain significance. Last evaluated: 2021-02-09. Review status: criteria provided, single submitter. Criteria: ACMG Guidelines, 2015. Collection method: clinical testing. Allele origin: germline.